The following is an entry in ClinVar:

NM_000038.6(APC):c.1604C>T (p.Ser535Phe)

Gene: APC (APC regulator of Wnt signaling pathway; plus strand). Cytogenetic location: 5q22.2.
Variant type: single nucleotide variant.
Coding change: c.1604C>T on transcript NM_000038.6 (MANE Select); coding-DNA position 1604, C replaced by T.
Protein change: p.Ser535Phe; replaces serine 535 with phenylalanine.
Molecular consequence: missense variant.
Genome position (GRCh38, 1-based): chr5:112,827,984, C>T. VCF-style: chr5-112827984-C-T. GRCh37 (hg19) VCF-style: chr5-112163681-C-T.
Other names: p.S535F:TCT>TTT; c.1604C>T, p.Ser535Phe (NM_001127510.3, NM_001354895.2); c.1550C>T, p.Ser517Phe (NM_001127511.3); c.1658C>T, p.Ser553Phe (NM_001354896.2); c.1634C>T, p.Ser545Phe (NM_001354897.2); c.1529C>T, p.Ser510Phe (NM_001354898.2); c.1520C>T, p.Ser507Phe (NM_001354899.2); c.1481C>T, p.Ser494Phe (NM_001354900.2); and 6 more; short protein forms S535F, S517F, S434F, S476F, S494F, S507F, S545F, S409F.
Identifiers: ClinVar variation 41519 (VCV000041519.49), dbSNP rs75870842, ClinGen allele CA005357.

ClinVar aggregate classification (germline): Conflicting classifications of pathogenicity. Review status: criteria provided, conflicting classifications (1 of 4 stars). 18 submissions from 18 submitters: Uncertain significance (1); Benign (5); Likely benign (9). 3 of the submissions do not count toward it. Last evaluated 2026-04-09.

Conditions:
APC-related disorder. Also called: APC-related condition.
Hereditary cancer-predisposing syndrome. Also called: Tumor predisposition; Neoplastic Syndromes, Hereditary; Hereditary neoplastic syndrome; Hereditary Cancer Syndrome. Identifiers: Orphanet 140162, MedGen C0027672, MeSH D009386, MONDO:0015356.
Desmoid disease, hereditary (DESMD). Also called: FIBROMATOSIS, FAMILIAL INFILTRATIVE. Identifiers: Orphanet 873, MedGen C1851124, OMIM 135290. Disease mechanism: loss of function.
Familial adenomatous polyposis 1 (FAP1). Also called: FAMILIAL ADENOMATOUS POLYPOSIS 1, ATTENUATED; POLYPOSIS, ADENOMATOUS INTESTINAL. Identifiers: MedGen C2713442, MONDO:0021056, OMIM 175100. Disease mechanism: loss of function.

Allele frequency attached by ClinVar (database versions not stated): ExAC 0.00024; 1000 Genomes Project 30x 0.00047; 1000 Genomes Project 0.00060; ESP Exome Variant Server 0.00062; gnomAD exomes 0.00005 and 0.00016; TOPMed 0.00063; gnomAD 0.00065 and 0.00071.
gnomAD v4.1: 171 of 1,612,944 alleles (0.011%); highest among the groups gnomAD compares: African/African-American, 0.2%; no homozygotes.

Submissions (18):

Dasa
Classification: Likely benign. Last evaluated: 2026-04-09. Review status: criteria provided, single submitter. Criteria: DASA Assertion Criteria. Collection method: clinical testing. Allele origin: germline.
Comment: NM_000038.6(APC):c.1604C>T (p.Ser535Phe) is a missense variant that results in the substitution of serine with phenylalanine. Population frequency is inconsistent with a disease-causing role for this variant. Therefore, based on the currently available evidence, this variant is classified as likely benign.

Labcorp Genetics (formerly Invitae), Labcorp
Classification: Benign for Familial adenomatous polyposis 1. Last evaluated: 2026-02-03. Review status: criteria provided, single submitter. Criteria: Invitae Variant Classification Sherloc (09022015). Collection method: clinical testing. Allele origin: germline.

Blueprint Genetics
Classification: Likely benign. Last evaluated: 2024-05-28. Review status: criteria provided, single submitter. Criteria: ACMG Guidelines, 2015. Collection method: clinical testing. Allele origin: germline.

Women's Health and Genetics/Laboratory Corporation of America, LabCorp
Classification: Likely benign. Last evaluated: 2024-03-23. Review status: criteria provided, single submitter. Criteria: LabCorp Variant Classification Summary - May 2015. Collection method: clinical testing. Allele origin: germline.

Myriad Genetics, Inc.
Classification: Likely benign for Familial adenomatous polyposis 1. Last evaluated: 2024-03-07. Review status: criteria provided, single submitter. Criteria: Myriad Autosomal Dominant, Autosomal Recessive and X-Linked Classification Criteria (2023). Collection method: clinical testing. Allele origin: unknown.
Comment: This variant is considered likely benign. This variant has been observed at a population frequency that is significantly greater than expected given the associated disease prevalence and penetrance.

Institute for Biomarker Research, Medical Diagnostic Laboratories, L.L.C.
Classification: Benign for Hereditary cancer-predisposing syndrome. Last evaluated: 2024-01-18. Review status: criteria provided, single submitter. Criteria: ACMG Guidelines, 2015. Collection method: clinical testing. Allele origin: germline.

Department of Pathology and Laboratory Medicine, Sinai Health System
Classification: Benign for Familial adenomatous polyposis 1; Desmoid disease, hereditary. Last evaluated: 2024-01-15. Review status: criteria provided, single submitter. Criteria: ACMG Guidelines, 2015. Collection method: clinical testing. Allele origin: germline. Affected: yes.

Mendelics
Classification: Benign for Familial adenomatous polyposis 1. Last evaluated: 2023-08-22. Review status: criteria provided, single submitter. Criteria: Mendelics Assertion Criteria 2019. Collection method: clinical testing. Allele origin: germline.

Quest Diagnostics Nichols Institute San Juan Capistrano
Classification: Benign. Last evaluated: 2022-03-21. Review status: criteria provided, single submitter. Criteria: Quest Diagnostics criteria. Collection method: clinical testing. Allele origin: unknown.

Sema4
Classification: Likely benign for Hereditary cancer-predisposing syndrome. Last evaluated: 2021-03-20. Review status: criteria provided, single submitter. Criteria: Sema4 Curation Guidelines. Collection method: curation. Allele origin: germline.

GeneDx
Classification: Likely benign. Last evaluated: 2020-11-18. Review status: criteria provided, single submitter. Criteria: GeneDx Variant Classification Process June 2021. Collection method: clinical testing. Allele origin: germline. Affected: yes.
Comment: This variant is associated with the following publications: (PMID: 23159591, 22703879)

Laboratory for Molecular Medicine, Mass General Brigham Personalized Medicine
Classification: Likely benign. Last evaluated: 2019-05-02. Review status: criteria provided, single submitter. Criteria: LMM Criteria. Collection method: clinical testing. Allele origin: germline. Observed: 1 variant allele.
Comment: The p.Ser535Phe variant in APC is classified as likely benign because it has been identified in 0.23% (58/24966) of African chromosomes by gnomAD. This variant has been reported in ClinVar by several laboratories (Variation ID 41519). While it has been identified in 1 individual who underwent testing APC testing (Kerr 2013), its frequency is too high to be consistent with a pathogenic variant causative for familial adenomatous polyposis.

ARUP Laboratories, Molecular Genetics and Genomics, ARUP Laboratories
Classification: Uncertain significance. Last evaluated: 2018-12-31. Review status: criteria provided, single submitter. Criteria: ARUP Molecular Germline Variant Investigation Process. Collection method: clinical testing. Allele origin: germline.
Comment: The APC c.1604C>T; p.Ser535Phe variant (rs75870842) is reported in the literature in at least one individual affected with familial adenomatous polyposis, and in a large cancer cohort (Johnston 2012, Kerr 2013). This variant is reported as uncertain significance or likely benign by multiple laboratories in ClinVar (Variation ID: 41519), and is found in the African population with an allele frequency of 0.23% (58/24,966 alleles) in the Genome Aggregation Database. The serine at codon 535 is highly conserved, and computational analyses (SIFT, PolyPhen-2) predict that this variant is deleterious. Due to limited information, the clinical significance of the p.Ser535Phe variant is uncertain at this time. References: Johnston JJ et al. Secondary variants in individuals undergoing exome sequencing: screening of 572 individuals identifies high-penetrance mutations in cancer-susceptibility genes. Am J Hum Genet. 2012 Jul 13;91(1):97-108. Kerr SE et al. APC germline mutations in individuals being evaluated for familial adenomatous polyposis: a review of the Mayo Clinic experience with 1591 consecutive tests. J Mol Diagn. 2013 Jan;15(1):31-43.

Ambry Genetics
Classification: Likely benign for Hereditary cancer-predisposing syndrome. Last evaluated: 2018-12-24. Review status: criteria provided, single submitter. Criteria: Ambry Variant Classification Scheme 2023. Collection method: clinical testing. Allele origin: germline.

Color Diagnostics, LLC DBA Color Health
Classification: Likely benign for Hereditary cancer-predisposing syndrome. Last evaluated: 2016-12-08. Review status: criteria provided, single submitter. Criteria: ACMG Guidelines, 2015. Collection method: clinical testing. Allele origin: germline.

PreventionGenetics, part of Exact Sciences
Classification: Likely benign for APC-related condition. Last evaluated: 2019-06-14. Review status: no assertion criteria provided. Collection method: clinical testing. Allele origin: germline. Not counted in ClinVar's aggregate classification.
Comment: This variant is classified as likely benign based on ACMG/AMP sequence variant interpretation guidelines (Richards et al. 2015 PMID: 25741868, with internal and published modifications).

Pathway Genomics
Classification: Uncertain significance for Adenomatous polyposis coli. Last evaluated: 2014-07-24. Review status: no assertion criteria provided. Collection method: clinical testing. Allele origin: germline. Not counted in ClinVar's aggregate classification.

Biesecker Lab/Clinical Genomics Section, National Institutes of Health
Classification: Uncertain significance. Last evaluated: 2012-07-13. Review status: no assertion criteria provided. Collection method: research. Allele origin: germline. Affected: no. Observed: 1 variant allele. Study: ClinSeq. Not counted in ClinVar's aggregate classification.
ClinVar note: Converted during submission from variant of unknown significance to Uncertain significance.

Literature cited by the submitters: PubMed 23159591 (cited by 6 submitters); PubMed 27443514 (cited by 3 submitters); PubMed 27600092 (cited by Women's Health and Genetics/Laboratory Corporation of America, LabCorp); PubMed 29868112 (cited by 3 submitters).